The following is an entry in ClinVar:

ClinVar aggregate classification (germline): Conflicting classifications of pathogenicity. Review status: criteria provided, conflicting classifications (1 of 4 stars). 10 submissions from 10 submitters: Uncertain significance (8); Likely benign (2). Last evaluated 2026-09-01.

Conditions:
Cardiovascular phenotype. Identifiers: MedGen CN230736.
Autosomal recessive limb-girdle muscular dystrophy type 2J (LGMDR10). Also called: Limb-girdle muscular dystrophy, type 2J; MUSCULAR DYSTROPHY, LIMB-GIRDLE, AUTOSOMAL RECESSIVE 10. Identifiers: Orphanet 140922, MedGen C1837342, MONDO:0012127, OMIM 608807.
Dilated cardiomyopathy 1G (CMD1G). Identifiers: Orphanet 154, MedGen C1858763, MONDO:0011400, OMIM 604145.
Cardiomyopathy (CMYO). Also called: Cardiomyopathies. Identifiers: Orphanet 167848, MedGen C0878544, MONDO:0004994, HP:0001638. Inheritance: Various modes of inheritance.

Allele frequency attached by ClinVar (database versions not stated): gnomAD exomes 0.00011 and 0.00004; ExAC 0.00007; ESP Exome Variant Server 0.00008; gnomAD 0.00009; TOPMed 0.00009.
gnomAD v4.1: 183 of 1,613,558 alleles (0.011%); highest among the groups gnomAD compares: Non-Finnish European, 0.014%; no homozygotes.

Submissions (10):

CeGaT Center for Human Genetics Tuebingen
Classification: Likely benign. Last evaluated: 2026-09-01. Review status: criteria provided, single submitter. Criteria: CeGaT Center For Human Genetics Tuebingen Variant Classification Criteria Version 2. Collection method: clinical testing. Allele origin: germline. Affected: yes. Observed: 2 variant alleles.
Comment: TTN: BP4

Revvity Omics, Revvity
Classification: Uncertain significance. Last evaluated: 2019-11-13. Review status: criteria provided, single submitter. Criteria: ACMG Guidelines, 2015. Collection method: clinical testing. Allele origin: germline.

GeneDx
Classification: Likely benign. Last evaluated: 2019-08-06. Review status: criteria provided, single submitter. Criteria: GeneDx Variant Classification Process June 2021. Collection method: clinical testing. Allele origin: germline. Affected: yes.
Comment: This variant is associated with the following publications: (PMID: 23861362)

Mayo Clinic Laboratories, Mayo Clinic
Classification: Uncertain significance. Last evaluated: 2019-05-26. Review status: criteria provided, single submitter. Criteria: ACMG Guidelines, 2015. Collection method: clinical testing. Allele origin: germline. Observed: 1 variant allele.

Ambry Genetics
Classification: Uncertain significance for Cardiovascular phenotype. Last evaluated: 2018-05-30. Review status: criteria provided, single submitter. Criteria: Ambry Variant Classification Scheme 2023. Collection method: clinical testing. Allele origin: germline.
Comment: The p.R19257H variant (also known as c.57770G>A), located in coding exon 153 of the TTN gene, results from a G to A substitution at nucleotide position 57770. The arginine at codon 19257 is replaced by histidine, an amino acid with highly similar properties. This alteration (reported as p.R25754H) has been detected as a secondary cardiac variant in an exome cohort (Ng D et al. Circ Cardiovasc Genet, 2013 Aug;6:337-46). This amino acid position is well conserved in available vertebrate species. In addition, this alteration is predicted to be tolerated by in silico analysis. Since supporting evidence is limited at this time, the clinical significance of this alteration remains unclear.

CHEO Genetics Diagnostic Laboratory, Children's Hospital of Eastern Ontario
Classification: Uncertain significance for Cardiomyopathy. Last evaluated: 2018-01-25. Review status: criteria provided, single submitter. Criteria: ACMG Guidelines, 2015. Collection method: clinical testing. Allele origin: germline.

Labcorp Genetics (formerly Invitae), Labcorp
Classification: Uncertain significance for Dilated cardiomyopathy 1G; Autosomal recessive limb-girdle muscular dystrophy type 2J. Last evaluated: 2017-11-13. Review status: criteria provided, single submitter. Criteria: Invitae Variant Classification Sherloc (09022015). Collection method: clinical testing. Allele origin: germline.

Laboratory for Molecular Medicine, Mass General Brigham Personalized Medicine
Classification: Uncertain significance. Last evaluated: 2015-03-20. Review status: criteria provided, single submitter. Criteria: LMM Criteria. Collection method: clinical testing. Allele origin: germline. Observed: 2 variant alleles.
Comment: The p.Arg25754His variant in TTN gene has not been previously reported in indivi duals with cardiomyopathy, but has been identified at very low frequency in seve ral populations by the NHLBI Exome Sequencing Project (1/3812 African American; 1/8520 East Asian and 7/66670 chromosomes; db SNPrs373532064). Computational prediction tools and conservation analysis do not provide strong support for or against an impact to the protein. In summary, the clinical significance of the p.Arg25754His variant is uncertain.

Eurofins Ntd Llc (ga)
Classification: Uncertain significance. Last evaluated: 2015-03-04. Review status: criteria provided, single submitter. Criteria: EGL Classification Definitions 2015. Collection method: clinical testing. Allele origin: germline. Observed: 1 variant allele, 1 heterozygote.

Biesecker Lab/Clinical Genomics Section, National Institutes of Health
Classification: Uncertain significance. Last evaluated: 2013-06-24. Review status: criteria provided, single submitter. Criteria: Ng et al. (Circ Cardiovasc Genet. 2013). Collection method: research. Allele origin: unknown. Observed: 1 variant allele. Study: ClinSeq.
Comment: The study set was not selected for affection status in relation to any cancer. Pathogenicity categories were based on literature curation. See Pubmed ID:23861362 for details.

Medical sequencing

Literature cited by the submitters: PubMed 23861362 (cited by Ambry Genetics).

NM_001267550.2(TTN):c.84965G>A (p.Arg28322His)

Genes: TTN (titin; minus strand), TTN-AS1 (TTN antisense RNA 1; plus strand). Cytogenetic location: 2q31.2.
Variant type: single nucleotide variant.
Coding change: c.84965G>A on transcript NM_001267550.2 (MANE Select); coding-DNA position 84965, G replaced by A.
Protein change: p.Arg28322His; replaces arginine 28322 with histidine.
Molecular consequence: missense variant.
Genome position (GRCh38, 1-based): chr2:178,561,167, C>T on the plus strand (G>A on the coding strand, the complement: TTN is on the minus strand). VCF-style: chr2-178561167-C-T. GRCh37 (hg19) VCF-style: chr2-179425894-C-T.
Other names: c.80042G>A, p.Arg26681His (NM_001256850.1); c.57770G>A, p.Arg19257His (NM_003319.4); c.58145G>A, p.Arg19382His (NM_133432.3); c.58346G>A, p.Arg19449His (NM_133437.4); c.77261G>A, p.Arg25754His (NM_133378.4); short protein forms R25754H, R28322H, R19257H, R19382H, R26681H, R19449H.
Identifiers: ClinVar variation 178181 (VCV000178181.42), dbSNP rs373532064, ClinGen allele CA181679.